The following is an entry in ClinVar:

NM_032242.4(PLXNA1):c.1907G>A (p.Arg636Gln)

Gene: PLXNA1 (plexin A1; plus strand). Cytogenetic location: 3q21.3.
Variant type: single nucleotide variant.
Coding change: c.1907G>A on transcript NM_032242.4 (MANE Select); coding-DNA position 1907, G replaced by A.
Protein change: p.Arg636Gln; replaces arginine 636 with glutamine.
Molecular consequence: missense variant.
Genome position (GRCh38, 1-based): chr3:127,006,088, G>A. VCF-style: chr3-127006088-G-A. GRCh37 (hg19) VCF-style: chr3-126724931-G-A.
Other names: short protein forms R636Q.
Identifiers: ClinVar variation 2636920 (VCV002636920.4), dbSNP rs573498891, ClinGen allele CA2593428.
Genomic context (GRCh38, chr3:127,006,088, plus strand): 5'-TGGGAGTCCTGGGCAAGCAGTCCTGGTGACTCAGCCATGCTGCTCGTGCAGGAGACCAGC[G>A]GGTGGTGAAACTCTACCTAAAGTCCAAGGAGACAGGGAAGAAGTTTGCGTCTGTGGACTT-3'
Protein context (NP_115618.3, residues 626-646): APITRGQGDQ[Arg636Gln]VVKLYLKSKE

ClinVar aggregate classification (germline): Uncertain significance (1 of 4 stars; one submission).

Conditions:
PLXNA1-related disorder. Also called: PLXNA1-related condition.

Allele frequency attached by ClinVar (database versions not stated): TOPMed 0.00003; gnomAD 0.00004; ExAC 0.00009; 1000 Genomes Project 0.00020; 1000 Genomes Project 30x 0.00031.
gnomAD v4.1: 44 of 1,613,628 alleles (0.0027%); highest among the groups gnomAD compares: South Asian, 0.023%; no homozygotes.

Submission:

PreventionGenetics, part of Exact Sciences
Classification: Uncertain significance for PLXNA1-related condition. Last evaluated: 2025-12-04. Review status: criteria provided, single submitter. Criteria: ACMG Guidelines, 2015. Collection method: clinical testing. Allele origin: germline.
Comment: The PLXNA1 c.1907G>A variant is predicted to result in the amino acid substitution p.Arg636Gln. This variant has been reported de novo in at least one individual with developmental disorders (Table S1, Kaplanis et al. 2020. PubMed ID: 33057194) and noted in combination with another PLXNA1 uncertain variant in an individual with autism (Supplementary Data 3, Zhou et al. 2022. PubMed ID: 35982159). This variant is reported in 0.029% of alleles in individuals of South Asian descent in gnomAD. At this time, the clinical significance of this variant is uncertain due to the absence of conclusive functional and genetic evidence.